The following is an entry in ClinVar:

NM_000238.4(KCNH2):c.3021C>T (p.Arg1007=)

Gene: KCNH2 (potassium voltage-gated channel subfamily H member 2; minus strand). Cytogenetic location: 7q36.1.
Variant type: single nucleotide variant.
Coding change: c.3021C>T on transcript NM_000238.4 (MANE Select); coding-DNA position 3021, C replaced by T.
Protein change: p.Arg1007=; no amino-acid change (arginine 1007 retained).
Molecular consequence: synonymous variant.
Genome position (GRCh38, 1-based): chr7:150,947,459, G>A on the plus strand (C>T on the coding strand, the complement: KCNH2 is on the minus strand). VCF-style: chr7-150947459-G-A. GRCh37 (hg19) VCF-style: chr7-150644547-G-A.
Other names: c.2001C>T, p.Arg667= (NM_172057.3).
Identifiers: ClinVar variation 925295 (VCV000925295.14), dbSNP rs781317328, ClinGen allele CA036369.

ClinVar aggregate classification (germline): Likely benign. Review status: criteria provided, multiple submitters, no conflicts (2 of 4 stars). 4 submissions from 4 submitters: Likely benign (4). Last evaluated 2025-03-20.

Conditions:
Cardiovascular phenotype. Identifiers: MedGen CN230736.
Long QT syndrome (LQTS). Identifiers: MedGen C0023976, MeSH D008133, MONDO:0002442. Disease mechanism: loss of function. Inheritance: Various modes of inheritance.
Cardiac arrhythmia. Also called: Cardiac rhythm disease; Arrhythmia. Identifiers: MedGen C0003811, MONDO:0007263, HP:0011675.

Allele frequency attached by ClinVar (database versions not stated): gnomAD exomes below 0.00001 and 0.00001; gnomAD 0.00001; TOPMed 0.00002; ExAC 0.00005; 1000 Genomes Project 30x 0.00016.
gnomAD v4.1: 2 of 1,569,256 alleles (0.00013%); highest among the groups gnomAD compares: East Asian, 0.0047%; no homozygotes.

Submissions (4):

Labcorp Genetics (formerly Invitae), Labcorp
Classification: Likely benign for Long QT syndrome. Last evaluated: 2025-03-20. Review status: criteria provided, single submitter. Criteria: Invitae Variant Classification Sherloc (09022015). Collection method: clinical testing. Allele origin: germline.

All of Us Research Program, National Institutes of Health
Classification: Likely benign for Long QT syndrome. Last evaluated: 2023-11-30. Review status: criteria provided, single submitter. Criteria: ACMG Guidelines, 2015. Collection method: clinical testing. Allele origin: germline. Inheritance: Autosomal dominant inheritance. Observed: 3 variant alleles, 3 heterozygotes.
Comment: This study involves interpretation of variants in research participants for the purpose of population health screening. Participant phenotype was not available at the time of variant classification. Additional details can be found in publication PMID: 35346344, PMCID: PMC8962531

Ambry Genetics
Classification: Likely benign for Cardiovascular phenotype. Last evaluated: 2023-10-10. Review status: criteria provided, single submitter. Criteria: Ambry Variant Classification Scheme 2023. Collection method: clinical testing. Allele origin: germline.

Color Diagnostics, LLC DBA Color Health
Classification: Likely benign for Arrhythmia. Last evaluated: 2018-11-27. Review status: criteria provided, single submitter. Criteria: ACMG Guidelines, 2015. Collection method: clinical testing. Allele origin: germline.